The following is an entry in ClinVar:

NM_201378.4(PLEC):c.71-11670C>T

Gene: PLEC (plectin; minus strand). Cytogenetic location: 8q24.3.
Variant type: single nucleotide variant.
Coding change: c.71-11670C>T on transcript NM_201378.4 (MANE Plus Clinical); 11670 bases into the intron before coding-DNA position 71, C replaced by T.
Molecular consequence: intron variant. On other transcripts: synonymous variant (1).
Genome position (GRCh38, 1-based): chr8:143,950,362, G>A on the plus strand (C>T on the coding strand, the complement: PLEC is on the minus strand). VCF-style: chr8-143950362-G-A. GRCh37 (hg19) VCF-style: chr8-145024530-G-A.
Other names: c.345C>T, p.His115= (NM_201380.4); c.194-11670C>T (NM_001410941.1, NM_000445.5); c.46+3364C>T (NM_201379.3).
Identifiers: ClinVar variation 4902041 (VCV004902041.2).

ClinVar aggregate classification (germline): Likely benign. Review status: criteria provided, multiple submitters, no conflicts (2 of 4 stars). 2 submissions from 2 submitters: Likely benign (2). Last evaluated 2026-07-10.

Conditions:
PLEC-related disorder. Also called: PLEC-related condition; PLEC-related disorders.

gnomAD v4.1: 63 of 1,589,852 alleles (0.004%); highest among the groups gnomAD compares: Middle Eastern, 0.017%; no homozygotes.

Submissions (2):

PreventionGenetics, part of Exact Sciences
Classification: Likely benign for PLEC-related condition. Last evaluated: 2026-07-10. Review status: criteria provided, single submitter. Criteria: ACMG Guidelines, 2015. Collection method: clinical testing. Allele origin: germline.
Comment: This variant is classified as likely benign based on ACMG/AMP sequence variant interpretation guidelines (Richards et al. 2015 PMID: 25741868, with internal and published modifications).

Blueprint Genetics
Classification: Likely benign. Last evaluated: 2023-02-13. Review status: criteria provided, single submitter. Criteria: ACMG Guidelines, 2015. Collection method: clinical testing. Allele origin: germline.